The following is an entry in ClinVar:

ClinVar aggregate classification (germline): Uncertain significance. Review status: criteria provided, multiple submitters, no conflicts (2 of 4 stars). 3 submissions from 3 submitters: Uncertain significance (2). 1 of the submissions does not count toward it. Last evaluated 2021-09-01.

Conditions:
Thrombophilia due to protein S deficiency, autosomal recessive (THPH6). Identifiers: Orphanet 743, MedGen C3281092, MONDO:0013791, OMIM 614514. Disease mechanism: loss of function.
Thrombophilia due to protein S deficiency, autosomal dominant (THPH5). Identifiers: Orphanet 26349, Orphanet 743, MedGen C3278211, MONDO:0012868, OMIM 612336. Disease mechanism: loss of function.
Optic atrophy. Identifiers: MedGen C0029124, MONDO:0003608, HP:0000648.

Allele frequency attached by ClinVar (database versions not stated): gnomAD 0.00004 and 0.00005; ExAC 0.00005; TOPMed 0.00010; gnomAD exomes 0.00012; ESP Exome Variant Server 0.00015.
gnomAD v4.1: 276 of 1,613,808 alleles (0.017%); highest among the groups gnomAD compares: Non-Finnish European, 0.021%; no homozygotes.

Submissions (3):

Labcorp Genetics (formerly Invitae), Labcorp
Classification: Uncertain significance for Thrombophilia due to protein S deficiency, autosomal recessive. Last evaluated: 2021-09-01. Review status: criteria provided, single submitter. Criteria: Invitae Variant Classification Sherloc (09022015). Collection method: clinical testing. Allele origin: germline.
Comment: This sequence change replaces valine with isoleucine at codon 606 of the PROS1 protein (p.Val606Ile). The valine residue is weakly conserved and there is a small physicochemical difference between valine and isoleucine. This variant is present in population databases (rs371885410, ExAC 0.01%). This variant has not been reported in the literature in individuals affected with PROS1-related conditions. ClinVar contains an entry for this variant (Variation ID: 220400). Algorithms developed to predict the effect of missense changes on protein structure and function output the following: SIFT: "Tolerated"; PolyPhen-2: "Benign"; Align-GVGD: "Class C0". The isoleucine amino acid residue is found in multiple mammalian species, which suggests that this missense change does not adversely affect protein function. In summary, the available evidence is currently insufficient to determine the role of this variant in disease. Therefore, it has been classified as a Variant of Uncertain Significance.

Illumina Laboratory Services, Illumina
Classification: Uncertain significance for Thrombophilia due to protein S deficiency, autosomal dominant. Last evaluated: 2018-03-16. Review status: criteria provided, single submitter. Criteria: ICSL Variant Classification Criteria 13 December 2019. Collection method: clinical testing. Allele origin: germline.

Institute of Human Genetics, Univ. Regensburg, Univ. Regensburg
Classification: Uncertain significance for Optic atrophy. Last evaluated: 2022-01-01. Review status: no assertion criteria provided. Criteria: ACMG Guidelines, 2015. Collection method: clinical testing. Allele origin: germline. Affected: yes. Not counted in ClinVar's aggregate classification.

NM_000313.4(PROS1):c.1816G>A (p.Val606Ile)

Gene: PROS1 (protein S; minus strand). Cytogenetic location: 3q11.1.
Variant type: single nucleotide variant.
Coding change: c.1816G>A on transcript NM_000313.4 (MANE Select); coding-DNA position 1816, G replaced by A.
Protein change: p.Val606Ile; replaces valine 606 with isoleucine.
Molecular consequence: missense variant.
Genome position (GRCh38, 1-based): chr3:93,877,020, C>T on the plus strand (G>A on the coding strand, the complement: PROS1 is on the minus strand). VCF-style: chr3-93877020-C-T. GRCh37 (hg19) VCF-style: chr3-93595864-C-T.
Other names: c.1912G>A, p.Val638Ile (NM_001314077.2); short protein forms V638I, V606I.
Identifiers: ClinVar variation 220400 (VCV000220400.18), dbSNP rs371885410, ClinGen allele CA350269.